The following is an entry in ClinVar:

NM_012309.5(SHANK2):c.2308+1G>A

Gene: SHANK2 (SH3 and multiple ankyrin repeat domains 2; minus strand). Cytogenetic location: 11q13.4.
Variant type: single nucleotide variant.
Coding change: c.2308+1G>A on transcript NM_012309.5 (MANE Select); the canonical splice donor site of the intron after coding-DNA position 2308, G replaced by A.
Molecular consequence: splice donor variant.
Genome position (GRCh38, 1-based): chr11:70,500,569, C>T on the plus strand (G>A on the coding strand, the complement: SHANK2 is on the minus strand). VCF-style: chr11-70500569-C-T. GRCh37 (hg19) VCF-style: chr11-70346674-C-T.
Other names: c.1171+1G>A (NM_001379226.1); c.544+1G>A (NM_133266.5).
Identifiers: ClinVar variation 1699100 (VCV001699100.3), dbSNP rs2135811944, ClinGen allele CA381692267.
Genomic context (GRCh38, chr11:70,500,569, plus strand): 5'-GTTTCTGTTCCACAGGGGGGTGATGGGCAGGGGGCTGAGACAGACACTGGGCCTCCCTTA[C>T]CCTTCTTCTTCCGGACCGAGGCTTGCAAACAGAAAGGGGACCGCCATGAGCCACCAGGAT-3'

ClinVar aggregate classification (germline): Uncertain significance (1 of 4 stars; one submission).

Conditions:
Autism, susceptibility to, 17. Also called: Autism susceptibility 17. Identifiers: MedGen C3150693, MONDO:0013265, OMIM 613436.

Submission:

Victorian Clinical Genetics Services, Murdoch Childrens Research Institute
Classification: Uncertain significance for Autism, susceptibility to, 17. Last evaluated: 2021-05-06. Review status: criteria provided, single submitter. Criteria: ACMG Guidelines, 2015. Collection method: clinical testing. Allele origin: germline. Inheritance: Autosomal dominant inheritance. Affected: yes.
Comment: Based on the classification scheme VCGS_Germline_v1.3.4, this variant is classified as VUS-3A. Following criteria are met: 0102 - Loss of function is a known mechanism of disease in this gene and is associated with autism spectrum disorder with or without intellectual disability (PMID: 30911184). (I) 0107 - This gene is associated with autosomal dominant disease. Pathogenic heterozygous variants have been shown to cause autism spectrum disorder with or without intellectual disability (PMID: 30072871). (I) 0211 - Canonical splice site variant without proven consequence on splicing (no functional evidence available). (SP) 0251 - This variant is heterozygous. (I) 0301 - Variant is absent from gnomAD (both v2 and v3). (SP) 0505 - Abnormal splicing is predicted by in silico tools and affected nucleotide is highly conserved. (SP) 0705 - No comparable canonical splice site variants have previous evidence for pathogenicity. (I) 0807 - This variant has no previous evidence of pathogenicity. (I) 0905 - No published segregation evidence has been identified for this variant. (I) 1007 - No published functional evidence has been identified for this variant. (I) Legend: (SP) - Supporting pathogenic, (I) - Information, (SB) - Supporting benign

Literature cited by the submitters: PubMed 30072871; PubMed 30911184.